The following is an entry in ClinVar:

ClinVar aggregate classification (germline): Uncertain significance (1 of 4 stars; one submission).

Allele frequency attached by ClinVar (database versions not stated): gnomAD 0.00003.

Submission:

Labcorp Genetics (formerly Invitae), Labcorp
Classification: Uncertain significance. Last evaluated: 2024-08-29. Review status: criteria provided, single submitter. Criteria: Invitae Variant Classification Sherloc (09022015). Collection method: clinical testing. Allele origin: germline.
Comment: This sequence change replaces alanine, which is neutral and non-polar, with threonine, which is neutral and polar, at codon 129 of the TCIRG1 protein (p.Ala129Thr). This variant is present in population databases (no rsID available, gnomAD 0.006%). This variant has not been reported in the literature in individuals affected with TCIRG1-related conditions. ClinVar contains an entry for this variant (Variation ID: 2199261). Invitae Evidence Modeling of protein sequence and biophysical properties (such as structural, functional, and spatial information, amino acid conservation, physicochemical variation, residue mobility, and thermodynamic stability) indicates that this missense variant is not expected to disrupt TCIRG1 protein function with a negative predictive value of 80%. In summary, the available evidence is currently insufficient to determine the role of this variant in disease. Therefore, it has been classified as a Variant of Uncertain Significance.

NM_006019.4(TCIRG1):c.385G>A (p.Ala129Thr)

Gene: TCIRG1 (T cell immune regulator 1, ATPase H+ transporting V0 subunit a3; plus strand). Cytogenetic location: 11q13.2.
Variant type: single nucleotide variant.
Coding change: c.385G>A on transcript NM_006019.4 (MANE Select); coding-DNA position 385, G replaced by A.
Protein change: p.Ala129Thr; replaces alanine 129 with threonine.
Molecular consequence: missense variant. On other transcripts: 5 prime UTR variant (1).
Genome position (GRCh38, 1-based): chr11:68,042,831, G>A. VCF-style: chr11-68042831-G-A. GRCh37 (hg19) VCF-style: chr11-67810298-G-A.
Other names: c.-865G>A (NM_001351059.2); short protein forms A129T.
Identifiers: ClinVar variation 2199261 (VCV002199261.2), dbSNP rs1052401866, ClinGen allele CA224203039.